The following is an entry in ClinVar:

NM_000264.5(PTCH1):c.807_810del (p.Lys269_Lys270insTer)

Gene: PTCH1 (patched 1; minus strand). Cytogenetic location: 9q22.32.
Variant type: Deletion.
Coding change: c.807_810del on transcript NM_000264.5 (MANE Select); coding-DNA positions 807 to 810, 4 bases deleted (GAAA; older notation c.807_810delGAAA).
Protein change: p.Lys269_Lys270insTer.
Molecular consequence: frameshift variant. On other transcripts: non-coding transcript variant (1).
Genome position (GRCh38, 1-based): chr9:95,480,525-95,480,528, TTTC deleted on the plus strand (GAAA on the coding strand, the reverse complement: PTCH1 is on the minus strand); deleting any 4 consecutive bases within chr9:95,480,525-95,480,531 gives the same sequence; the c. name uses the placement nearest the transcript's 3' end. VCF-style (leftmost placement, unchanged base first): chr9-95480524-TTTTC-T. GRCh37 (hg19) VCF-style: chr9-98242806-TTTTC-T.
Other names: c.807_810del (NM_000264.3); c.354_357del, p.Lys118_Lys119insTer (NM_001083604.3, NM_001083605.3, NM_001083606.3 and 1 more transcripts); c.807_810del, p.Lys269_Lys270insTer (NM_001354918.2); c.609_612del, p.Lys203_Lys204insTer (NM_001083602.3); c.804_807del, p.Lys268_Lys269insTer (NM_001083603.3).
Identifiers: ClinVar variation 428817 (VCV000428817.13), dbSNP rs1131690969, ClinGen allele CA645369459.

ClinVar aggregate classification (germline): Pathogenic. Review status: criteria provided, multiple submitters, no conflicts (2 of 4 stars). 3 submissions from 3 submitters: Pathogenic (3). Last evaluated 2021-12-30.

Conditions:
Hereditary cancer-predisposing syndrome. Also called: Hereditary neoplastic syndrome; Tumor predisposition; Neoplastic Syndromes, Hereditary; Hereditary Cancer Syndrome. Identifiers: Orphanet 140162, MedGen C0027672, MeSH D009386, MONDO:0015356.
Gorlin syndrome. Also called: Nevoid Basal Cell Carcinoma Syndrome; Basal cell nevus syndrome. Identifiers: Orphanet 377, MedGen C0004779, MONDO:0007187.

Submissions (3):

Revvity Omics, Revvity
Classification: Pathogenic. Last evaluated: 2021-12-30. Review status: criteria provided, single submitter. Criteria: ACMG Guidelines, 2015. Collection method: clinical testing. Allele origin: germline.

Labcorp Genetics (formerly Invitae), Labcorp
Classification: Pathogenic for Gorlin syndrome. Last evaluated: 2020-08-04. Review status: criteria provided, single submitter. Criteria: Invitae Variant Classification Sherloc (09022015). Collection method: clinical testing. Allele origin: germline.
Comment: This variant has not been reported in the literature in individuals with PTCH1-related disease. ClinVar contains an entry for this variant (Variation ID: 428817). This variant is not present in population databases (ExAC no frequency). This sequence change creates a premature translational stop signal (p.Lys270*) in the PTCH1 gene. It is expected to result in an absent or disrupted protein product. Loss-of-function variants in PTCH1 are known to be pathogenic (PMID: 16301862, 16419085). For these reasons, this variant has been classified as Pathogenic.

Ambry Genetics
Classification: Pathogenic for Hereditary cancer-predisposing syndrome. Last evaluated: 2013-08-15. Review status: criteria provided, single submitter. Criteria: Ambry Autosomal Dominant and X-Linked criteria (10/2015). Collection method: clinical testing. Allele origin: germline. Observed: 1 variant allele.
Comment: This alteration is expected to result in loss of function by premature protein truncation or nonsense-mediatedâ€¯mRNAâ€¯decay.â€¯As such, this alteration is interpreted as a disease-causing mutation.

Literature cited by the submitters: PubMed 16301862 (cited by Labcorp Genetics (formerly Invitae), Labcorp); PubMed 16419085 (cited by Labcorp Genetics (formerly Invitae), Labcorp).